The following is an entry in ClinVar:

NM_002890.3(RASA1):c.647T>G (p.Phe216Cys)

Genes: CCNH (cyclin H; minus strand), RASA1 (RAS p21 protein activator 1; plus strand). Cytogenetic location: 5q14.3.
Variant type: single nucleotide variant.
Coding change: c.647T>G on transcript NM_002890.3 (MANE Select); coding-DNA position 647, T replaced by G.
Protein change: p.Phe216Cys; replaces phenylalanine 216 with cysteine.
Molecular consequence: missense variant. On other transcripts: intron variant (1).
Genome position (GRCh38, 1-based): chr5:87,331,455, T>G. VCF-style: chr5-87331455-T-G. GRCh37 (hg19) VCF-style: chr5-86627272-T-G.
Other names: c.116T>G, p.Phe39Cys (NM_022650.3); c.934-18660A>C (NM_001364075.2); short protein forms F39C, F216C.
Identifiers: ClinVar variation 3648025 (VCV003648025.2).
Genomic context (GRCh38, chr5:87,331,455, plus strand): 5'-GGCAGGCAGGGAAGTCTGGCAGTTATCTTATAAGAGAGAGTGATCGGAGGCCAGGGTCCT[T>G]TGTACTTTCATTTCTTAGCCAGATGAATGTTGTCAACCATTTTAGGTAAGTCTTTATTCC-3'
Protein context (NP_002881.1, residues 206-226): IRESDRRPGS[Phe216Cys]VLSFLSQMNV

ClinVar aggregate classification (germline): Uncertain significance (1 of 4 stars; one submission).

Conditions:
Capillary malformation-arteriovenous malformation syndrome. Also called: Capillary malformation-arteriovenous malformation. Identifiers: Orphanet 137667, MedGen C1842180, MONDO:0012016.

Submission:

Labcorp Genetics (formerly Invitae), Labcorp
Classification: Uncertain significance for Capillary malformation-arteriovenous malformation syndrome. Last evaluated: 2024-03-28. Review status: criteria provided, single submitter. Criteria: Invitae Variant Classification Sherloc (09022015). Collection method: clinical testing. Allele origin: germline.
Comment: This sequence change replaces phenylalanine, which is neutral and non-polar, with cysteine, which is neutral and slightly polar, at codon 216 of the RASA1 protein (p.Phe216Cys). This variant is not present in population databases (gnomAD no frequency). This variant has not been reported in the literature in individuals affected with RASA1-related conditions. An algorithm developed to predict the effect of missense changes on protein structure and function (PolyPhen-2) suggests that this variant is likely to be disruptive. In summary, the available evidence is currently insufficient to determine the role of this variant in disease. Therefore, it has been classified as a Variant of Uncertain Significance.